The following is an entry in ClinVar:

NM_017617.5(NOTCH1):c.269_270delinsTG (p.Ala90Val)

Gene: NOTCH1 (notch receptor 1; minus strand). Cytogenetic location: 9q34.3.
Variant type: Indel.
Coding change: c.269_270delinsTG on transcript NM_017617.5 (MANE Select); coding-DNA positions 269 to 270, CC replaced by TG.
Protein change: p.Ala90Val; replaces alanine 90 with valine.
Molecular consequence: missense variant.
Genome position (GRCh38, 1-based): chr9:136,523,850-136,523,851, GG replaced by CA on the plus strand (CC replaced by TG on the coding strand, the reverse complement: NOTCH1 is on the minus strand). VCF-style: chr9-136523850-GG-CA. GRCh37 (hg19) VCF-style: chr9-139418302-GG-CA.
Other names: c.269_270delinsTG (NM_017617.3); c.269_270delinsTG, p.Ala90Val (LRG_1122t1); short protein forms A90V.
Identifiers: ClinVar variation 520084 (VCV000520084.18), dbSNP rs1554730737, ClinGen allele CA658797368.

ClinVar aggregate classification (germline): Conflicting classifications of pathogenicity. Review status: criteria provided, conflicting classifications (1 of 4 stars). 5 submissions from 4 submitters: Uncertain significance (4); Likely benign (1). Last evaluated 2026-01-22.

Conditions:
Adams-Oliver syndrome 5 (AOS5). Identifiers: Orphanet 974, MedGen C4014970, MONDO:0014459, OMIM 616028.
Familial thoracic aortic aneurysm and aortic dissection (TAAD). Also called: Thoracic aortic aneurysms and dissections. Identifiers: Orphanet 91387, MedGen C4707243, MONDO:0019625.
Aortic valve disease 1 (AOVD1). Identifiers: MedGen C3887892, MONDO:0024523, OMIM 109730.

Submissions (5):

Labcorp Genetics (formerly Invitae), Labcorp
Classification: Uncertain significance for Adams-Oliver syndrome 5. Last evaluated: 2026-01-22. Review status: criteria provided, single submitter. Criteria: Invitae Variant Classification Sherloc (09022015). Collection method: clinical testing. Allele origin: germline.
Comment: This sequence change replaces alanine, which is neutral and non-polar, with valine, which is neutral and non-polar, at codon 90 of the NOTCH1 protein (p.Ala90Val). Information on the frequency of this variant in the gnomAD database is not available, as this variant may be reported differently in the database. This variant has not been reported in the literature in individuals affected with NOTCH1-related conditions. ClinVar contains an entry for this variant (Variation ID: 520084). An algorithm developed to predict the effect of missense changes on protein structure and function (PolyPhen-2) suggests that this variant is likely to be tolerated. In summary, the available evidence is currently insufficient to determine the role of this variant in disease. Therefore, it has been classified as a Variant of Uncertain Significance.

GeneDx
Classification: Uncertain significance. Last evaluated: 2025-10-21. Review status: criteria provided, single submitter. Criteria: GeneDx Variant Classification Process June 2021. Collection method: clinical testing. Allele origin: germline. Affected: yes.
Comment: Not observed at significant frequency in large population cohorts (gnomAD); In silico analysis suggests that this variant does not alter protein structure/function; Has not been previously published as pathogenic or benign to our knowledge

Ambry Genetics
Classification: Likely benign for Familial thoracic aortic aneurysm and aortic dissection. Last evaluated: 2024-05-13. Review status: criteria provided, single submitter. Criteria: Ambry Variant Classification Scheme 2023. Collection method: clinical testing. Allele origin: germline.

Genome-Nilou Lab
Classification: Uncertain significance for Adams-Oliver syndrome 5. Last evaluated: 2022-03-15. Review status: criteria provided, single submitter. Criteria: ACMG Guidelines, 2015. Collection method: clinical testing. Allele origin: germline. Affected: no.

Genome-Nilou Lab
Classification: Uncertain significance for Aortic valve disease 1. Last evaluated: 2022-03-15. Review status: criteria provided, single submitter. Criteria: ACMG Guidelines, 2015. Collection method: clinical testing. Allele origin: germline. Affected: no.